The following is an entry in ClinVar:

NM_002796.3(PSMB4):c.542C>T (p.Ser181Leu)

Gene: PSMB4 (proteasome 20S subunit beta 4; plus strand). Cytogenetic location: 1q21.3.
Variant type: single nucleotide variant.
Coding change: c.542C>T on transcript NM_002796.3 (MANE Select); coding-DNA position 542, C replaced by T.
Protein change: p.Ser181Leu; replaces serine 181 with leucine.
Molecular consequence: missense variant.
Genome position (GRCh38, 1-based): chr1:151,400,811, C>T. VCF-style: chr1-151400811-C-T. GRCh37 (hg19) VCF-style: chr1-151373287-C-T.
Other names: short protein forms S181L.
Identifiers: ClinVar variation 1428080 (VCV001428080.6), dbSNP rs11557382, ClinGen allele CA1090689.
Genomic context (GRCh38, chr1:151,400,811, plus strand): 5'-TGTGTCCTGTTAGCTTCCTCGGTTATGTGGACATGCTTGGTGTAGCCTATGAAGCCCCTT[C>T]GCTGGCCACTGGTTATGGTGCATACTTGGCTCAGGTAAGTAGTAAGTCTAGAGGTGGGGG-3'
Protein context (NP_002787.2, residues 171-191): DMLGVAYEAP[Ser181Leu]LATGYGAYLA

ClinVar aggregate classification (germline): Uncertain significance (1 of 4 stars; one submission).

Allele frequency attached by ClinVar (database versions not stated): gnomAD exomes 0.00002 and 0.00006; gnomAD 0.00003; TOPMed 0.00004; ExAC 0.00007.

Submission:

Labcorp Genetics (formerly Invitae), Labcorp
Classification: Uncertain significance. Last evaluated: 2025-10-06. Review status: criteria provided, single submitter. Criteria: Invitae Variant Classification Sherloc (09022015). Collection method: clinical testing. Allele origin: germline.
Comment: This sequence change replaces serine, which is neutral and polar, with leucine, which is neutral and non-polar, at codon 181 of the PSMB4 protein (p.Ser181Leu). This variant is present in population databases (rs11557382, gnomAD 0.02%). This variant has not been reported in the literature in individuals affected with PSMB4-related conditions. ClinVar contains an entry for this variant (Variation ID: 1428080). An algorithm developed to predict the effect of missense changes on protein structure and function (PolyPhen-2) suggests that this variant is likely to be tolerated. In summary, the available evidence is currently insufficient to determine the role of this variant in disease. Therefore, it has been classified as a Variant of Uncertain Significance.